The following is an entry in ClinVar:

ClinVar aggregate classification (germline): Likely benign. Review status: criteria provided, multiple submitters, no conflicts (2 of 4 stars). 2 submissions from 2 submitters: Likely benign (2). Last evaluated 2025-07-07.

Allele frequency attached by ClinVar (database versions not stated): gnomAD exomes below 0.00001; gnomAD 0.00001; TOPMed 0.00003.

Submissions (2):

Labcorp Genetics (formerly Invitae), Labcorp
Classification: Likely benign. Last evaluated: 2025-07-07. Review status: criteria provided, single submitter. Criteria: Invitae Variant Classification Sherloc (09022015). Collection method: clinical testing. Allele origin: germline.

Women's Health and Genetics/Laboratory Corporation of America, LabCorp
Classification: Likely benign. Last evaluated: 2023-11-28. Review status: criteria provided, single submitter. Criteria: LabCorp Variant Classification Summary - May 2015. Collection method: clinical testing. Allele origin: germline.
Comment: Variant summary: DDX3X c.152-18delG alters a non-conserved nucleotide located at a position not widely known to affect splicing. Consensus agreement among computation tools predict no significant impact on normal splicing. However, these predictions have yet to be confirmed by functional studies. The frequency data for this variant in gnomAD is considered unreliable, as metrics indicate poor data quality at this position. To our knowledge, no occurrence of c.152-18delG in individuals affected with X-Linked Intellectual Disability 102 and no experimental evidence demonstrating its impact on protein function have been reported. One submitter has cited clinical-significance assessments for this variant to ClinVar after 2014 and has classified the variant as uncertain significance. Based on the evidence outlined above, the variant was classified as likely benign.

NM_001356.5(DDX3X):c.152-18del

Gene: DDX3X (DEAD-box helicase 3 X-linked; plus strand). Cytogenetic location: Xp11.4.
Variant type: Deletion.
Coding change: c.152-18del on transcript NM_001356.5 (MANE Select); 18 bases into the intron before coding-DNA position 152, one base deleted (G; older notation c.152-18delG).
Molecular consequence: intron variant.
Genome position (GRCh38, 1-based): chrX:41,341,466, G deleted. VCF-style (leftmost placement, unchanged base first): chrX-41341465-TG-T. GRCh37 (hg19) VCF-style: chrX-41200718-TG-T.
Other names: c.152-18del (NM_001193416.3); c.104-18del (NM_001193417.3); c.-407-18del (NM_001363819.1); c.152-18delG (NM_001356.5).
Identifiers: ClinVar variation 1491752 (VCV001491752.9), dbSNP rs775104021, ClinGen allele CA10389371.